The following is an entry in ClinVar:

ClinVar aggregate classification (germline): Benign. Review status: criteria provided, multiple submitters, no conflicts (2 of 4 stars). 3 submissions from 3 submitters: Benign (3). Last evaluated 2018-01-13.

Conditions:
Retinitis pigmentosa (RP). Identifiers: Orphanet 791, MedGen C0035334, MeSH D012174, MONDO:0019200, OMIM 268000. Inheritance: Autosomal dominant, autosomal recessive and X linked inheritance.

Allele frequency attached by ClinVar (database versions not stated): 1000 Genomes Project 30x 0.10993; 1000 Genomes Project 0.11222; gnomAD exomes 0.13091; TOPMed 0.13684; gnomAD 0.13824 and 0.14003.
gnomAD v4.1: 21,493 of 153,420 alleles (14%); highest among the groups gnomAD compares: Middle Eastern, 22%; 1,835 homozygotes.

Submissions (3):

Illumina Laboratory Services, Illumina
Classification: Benign for Retinitis pigmentosa. Last evaluated: 2018-01-13. Review status: criteria provided, single submitter. Criteria: ICSL Variant Classification Criteria 13 December 2019. Collection method: clinical testing. Allele origin: germline.
Comment: This variant was observed in the ICSL laboratory as part of a predisposition screen in an ostensibly healthy population. It had not been previously curated by ICSL or reported in the Human Gene Mutation Database (HGMD: prior to June 1st, 2018), and was therefore a candidate for classification through an automated scoring system. Utilizing variant allele frequency, disease prevalence and penetrance estimates, and inheritance mode, an automated score was calculated to assess if this variant is too frequent to cause the disease. Based on the score and internal cut-off values, a variant classified as benign is not then subjected to further curation. The score for this variant resulted in a classification of benign for this disease.

GeneDx
Classification: Benign. Last evaluated: 2017-04-12. Review status: criteria provided, single submitter. Criteria: GeneDx Variant Classification (06012015). Collection method: clinical testing. Allele origin: germline. Affected: yes.
Comment: This variant is considered likely benign or benign based on one or more of the following criteria: it is a conservative change, it occurs at a poorly conserved position in the protein, it is predicted to be benign by multiple in silico algorithms, and/or has population frequency not consistent with disease.

Breakthrough Genomics
Classification: Benign. Review status: criteria provided, single submitter. Criteria: ACMG Guidelines, 2015. Collection method: not provided. Allele origin: germline. Inheritance: Unknown mechanism. Affected: yes.

NM_001379270.1(CNGA1):c.-129C>T

Gene: CNGA1 (cyclic nucleotide gated channel subunit alpha 1; minus strand). Cytogenetic location: 4p12.
Variant type: single nucleotide variant.
Coding change: c.-129C>T on transcript NM_001379270.1 (MANE Select); 129 bases upstream of the start codon, C replaced by T.
Molecular consequence: 5 prime UTR variant.
Genome position (GRCh38, 1-based): chr4:48,010,800, G>A on the plus strand (C>T on the coding strand, the complement: CNGA1 is on the minus strand). VCF-style: chr4-48010800-G-A. GRCh37 (hg19) VCF-style: chr4-48012817-G-A.
Other names: c.-129C>T (NM_000087.5).
Identifiers: ClinVar variation 517097 (VCV000517097.6), dbSNP rs224801, ClinGen allele CA11750589.